The following is an entry in ClinVar:

ClinVar aggregate classification (germline): Likely benign. Review status: criteria provided, multiple submitters, no conflicts (2 of 4 stars). 4 submissions from 4 submitters: Likely benign (4). Last evaluated 2024-07-13.

Conditions:
Cardiomyopathy (CMYO). Also called: Cardiomyopathies. Identifiers: Orphanet 167848, MedGen C0878544, MONDO:0004994, HP:0001638. Inheritance: Various modes of inheritance.
Cardiovascular phenotype. Identifiers: MedGen CN230736.
Hypertrophic cardiomyopathy. Also called: HYPERTROPHIC MYOCARDIOPATHY. Identifiers: Orphanet 217569, MedGen C0007194, MeSH D002312, MONDO:0005045, HP:0001639.

Allele frequency attached by ClinVar (database versions not stated): TOPMed below 0.00001; gnomAD 0.00001; gnomAD exomes 0.00001.
gnomAD v4.1: 5 of 1,604,782 alleles (0.00031%); highest among the groups gnomAD compares: Admixed American, 0.0017%; no homozygotes.

Submissions (4):

Labcorp Genetics (formerly Invitae), Labcorp
Classification: Likely benign for Hypertrophic cardiomyopathy. Last evaluated: 2024-07-13. Review status: criteria provided, single submitter. Criteria: Invitae Variant Classification Sherloc (09022015). Collection method: clinical testing. Allele origin: germline.

All of Us Research Program, National Institutes of Health
Classification: Likely benign for Hypertrophic cardiomyopathy. Last evaluated: 2023-02-24. Review status: criteria provided, single submitter. Criteria: ACMG Guidelines, 2015. Collection method: clinical testing. Allele origin: germline. Inheritance: Autosomal dominant inheritance. Observed: 1 variant allele, 1 heterozygote.
Comment: This study involves interpretation of variants in research participants for the purpose of population health screening. Participant phenotype was not available at the time of variant classification. Additional details can be found in publication PMID: 35346344, PMCID: PMC8962531

Color Diagnostics, LLC DBA Color Health
Classification: Likely benign for Cardiomyopathy. Last evaluated: 2022-11-06. Review status: criteria provided, single submitter. Criteria: ACMG Guidelines, 2015. Collection method: clinical testing. Allele origin: germline.

Ambry Genetics
Classification: Likely benign for Cardiovascular phenotype. Last evaluated: 2022-07-23. Review status: criteria provided, single submitter. Criteria: Ambry Variant Classification Scheme 2023. Collection method: clinical testing. Allele origin: germline.

NM_000256.3(MYBPC3):c.954G>A (p.Glu318=)

Gene: MYBPC3 (myosin binding protein C3; minus strand). Cytogenetic location: 11p11.2.
Variant type: single nucleotide variant.
Coding change: c.954G>A on transcript NM_000256.3 (MANE Select); coding-DNA position 954, G replaced by A.
Protein change: p.Glu318=; no amino-acid change (glutamic acid 318 retained).
Molecular consequence: synonymous variant.
Genome position (GRCh38, 1-based): chr11:47,346,343, C>T on the plus strand (G>A on the coding strand, the complement: MYBPC3 is on the minus strand). VCF-style: chr11-47346343-C-T. GRCh37 (hg19) VCF-style: chr11-47367894-C-T.
Identifiers: ClinVar variation 1767344 (VCV001767344.8), dbSNP rs1435724290, ClinGen allele CA474220996.